The following is an entry in ClinVar:

NM_001378183.1(PIEZO2):c.4042G>A (p.Ala1348Thr)

Gene: PIEZO2 (piezo type mechanosensitive ion channel component 2; minus strand). Cytogenetic location: 18p11.22.
Variant type: single nucleotide variant.
Coding change: c.4042G>A on transcript NM_001378183.1 (MANE Select); coding-DNA position 4042, G replaced by A.
Protein change: p.Ala1348Thr; replaces alanine 1348 with threonine.
Molecular consequence: missense variant.
Genome position (GRCh38, 1-based): chr18:10,752,761, C>T on the plus strand (G>A on the coding strand, the complement: PIEZO2 is on the minus strand). VCF-style: chr18-10752761-C-T. GRCh37 (hg19) VCF-style: chr18-10752759-C-T.
Other names: c.4042G>A, p.Ala1348Thr (NM_001410871.1); c.3967G>A, p.Ala1323Thr (NM_022068.4); short protein forms A1323T, A1348T.
Identifiers: ClinVar variation 4887342 (VCV004887342.1).

ClinVar aggregate classification (germline): Uncertain significance (1 of 4 stars; one submission).

gnomAD v4.1: 6 of 1,537,044 alleles (0.00039%); highest among the groups gnomAD compares: African/African-American, 0.0041%; no homozygotes.

Submission:

Women's Health and Genetics/Laboratory Corporation of America, LabCorp
Classification: Uncertain significance. Last evaluated: 2026-06-11. Review status: criteria provided, single submitter. Criteria: LabCorp Variant Classification Summary - May 2015. Collection method: clinical testing. Allele origin: germline.
Comment: Variant summary: PIEZO2 c.3967G>A (p.Ala1323Thr) results in a non-conservative amino acid change in the encoded protein sequence. Algorithms developed to predict the effect of missense changes on protein structure and function are either unavailable or do not agree on the potential impact of this missense change. The variant allele was found at a frequency of 7e-06 in 141856 control chromosomes. The available data on variant occurrences in the general population are insufficient to allow any conclusion about variant significance. To our knowledge, no occurrence of c.3967G>A in individuals affected with PIEZO2-related conditions and no experimental evidence demonstrating its impact on protein function have been reported. No submitters have cited clinical-significance assessments for this variant to ClinVar. Based on the evidence outlined above, the variant was classified as uncertain significance.